The following is an entry in ClinVar:

ClinVar aggregate classification (germline): Benign (0 of 4 stars; one submission).

Conditions:
TEX11-related disorder. Also called: TEX11-related condition.

Allele frequency attached by ClinVar (database versions not stated): gnomAD exomes 0.05727; ESP Exome Variant Server 0.06362; gnomAD 0.07968; ExAC 0.09922; TOPMed 0.10077; 1000 Genomes Project 30x 0.13299; 1000 Genomes Project 0.13377.
gnomAD v4.1: 71,644 of 1,207,886 alleles (5.9%); highest among the groups gnomAD compares: Admixed American, 32%; 3,373 homozygotes.

Submission:

PreventionGenetics, part of Exact Sciences
Classification: Benign for TEX11-related condition. Last evaluated: 2019-03-27. Review status: no assertion criteria provided. Collection method: clinical testing. Allele origin: germline.
Comment: This variant is classified as benign based on ACMG/AMP sequence variant interpretation guidelines (Richards et al. 2015 PMID: 25741868, with internal and published modifications).

NM_031276.3(TEX11):c.1306G>A (p.Glu436Lys)

Gene: TEX11 (testis expressed 11; minus strand). Cytogenetic location: Xq13.1.
Variant type: single nucleotide variant.
Coding change: c.1306G>A on transcript NM_031276.3 (MANE Select); coding-DNA position 1306, G replaced by A.
Protein change: p.Glu436Lys; replaces glutamic acid 436 with lysine.
Molecular consequence: missense variant.
Genome position (GRCh38, 1-based): chrX:70,670,451, C>T on the plus strand (G>A on the coding strand, the complement: TEX11 is on the minus strand). VCF-style: chrX-70670451-C-T. GRCh37 (hg19) VCF-style: chrX-69890301-C-T.
Other names: c.1351G>A, p.Glu451Lys (NM_001003811.2); short protein forms E436K, E451K.
Identifiers: ClinVar variation 3059376 (VCV003059376.2), dbSNP rs4844247, ClinGen allele CA10442697.